The following is an entry in ClinVar:

ClinVar aggregate classification (germline): Uncertain significance (1 of 4 stars; one submission).

Conditions:
Brugada syndrome 8 (BRGDA8). Identifiers: Orphanet 130, MedGen C2751083, MONDO:0013148, OMIM 613123.

Allele frequency attached by ClinVar (database versions not stated): gnomAD exomes below 0.00001; TOPMed 0.00001.
gnomAD v4.1: 2 of 1,525,074 alleles (0.00013%); highest among the groups gnomAD compares: South Asian, 0.0024%; no homozygotes.

Submission:

Labcorp Genetics (formerly Invitae), Labcorp
Classification: Uncertain significance for Brugada syndrome 8. Last evaluated: 2023-05-31. Review status: criteria provided, single submitter. Criteria: Invitae Variant Classification Sherloc (09022015). Collection method: clinical testing. Allele origin: germline.
Comment: This variant has not been reported in the literature in individuals affected with HCN4-related conditions. This sequence change replaces leucine, which is neutral and non-polar, with phenylalanine, which is neutral and non-polar, at codon 15 of the HCN4 protein (p.Leu15Phe). This variant is not present in population databases (gnomAD no frequency). Advanced modeling of protein sequence and biophysical properties (such as structural, functional, and spatial information, amino acid conservation, physicochemical variation, residue mobility, and thermodynamic stability) performed at Invitae indicates that this missense variant is not expected to disrupt HCN4 protein function. In summary, the available evidence is currently insufficient to determine the role of this variant in disease. Therefore, it has been classified as a Variant of Uncertain Significance.

NM_005477.3(HCN4):c.43C>T (p.Leu15Phe)

Gene: HCN4 (hyperpolarization activated cyclic nucleotide gated potassium channel 4; minus strand). Cytogenetic location: 15q24.1.
Variant type: single nucleotide variant.
Coding change: c.43C>T on transcript NM_005477.3 (MANE Select); coding-DNA position 43, C replaced by T.
Protein change: p.Leu15Phe; replaces leucine 15 with phenylalanine.
Molecular consequence: missense variant.
Genome position (GRCh38, 1-based): chr15:73,368,228, G>A on the plus strand (C>T on the coding strand, the complement: HCN4 is on the minus strand). VCF-style: chr15-73368228-G-A. GRCh37 (hg19) VCF-style: chr15-73660569-G-A.
Other names: short protein forms L15F.
Identifiers: ClinVar variation 2908946 (VCV002908946.2), dbSNP rs2043139568, ClinGen allele CA393099208.